The following is an entry in ClinVar:

ClinVar aggregate classification (germline): Conflicting classifications of pathogenicity. Review status: criteria provided, conflicting classifications (1 of 4 stars). 14 submissions from 14 submitters: Uncertain significance (2); Benign (1); Likely benign (10). 1 of the submissions does not count toward it. Last evaluated 2026-07-06.

Conditions:
Intellectual disability, autosomal dominant 16 (CSS4). Also called: COFFIN-SIRIS SYNDROME 4. Identifiers: Orphanet 1465, MedGen C3553249, MONDO:0013821, OMIM 614609.
Rhabdoid tumor predisposition syndrome 2 (RTPS2). Identifiers: Orphanet 231108, Orphanet 69077, MedGen C2750074, MONDO:0013224, OMIM 613325.
Otosclerosis 12. Identifiers: MedGen C5935610, MONDO:0968980, OMIM 620792.
SMARCA4-related disorder. Also called: SMARCA4-related condition.
Coffin-Siris syndrome. Identifiers: Orphanet 1465, MedGen C0265338, MONDO:0015452.
Hereditary cancer-predisposing syndrome. Also called: Hereditary Cancer Syndrome; Tumor predisposition; Hereditary neoplastic syndrome; Neoplastic Syndromes, Hereditary. Identifiers: Orphanet 140162, MedGen C0027672, MeSH D009386, MONDO:0015356.

Allele frequency attached by ClinVar (database versions not stated): 1000 Genomes Project 30x 0.00047; ESP Exome Variant Server 0.00024; gnomAD exomes 0.00038 and 0.00019; gnomAD 0.00021 and 0.00019; ExAC 0.00018; TOPMed 0.00022; 1000 Genomes Project 0.00040.
gnomAD v4.1: 583 of 1,612,980 alleles (0.036%); highest among the groups gnomAD compares: Middle Eastern, 0.052%; no homozygotes.

Submissions (14):

Myriad Genetics, Inc.
Classification: Likely benign for Rhabdoid tumor predisposition syndrome 2. Last evaluated: 2026-07-06. Review status: criteria provided, single submitter. Criteria: Myriad Autosomal Dominant, Autosomal Recessive and X-Linked Classification Criteria (2023). Collection method: clinical testing. Allele origin: unknown.
Comment: This variant is considered likely benign. This variant has been observed at a population frequency that is significantly greater than expected given the associated disease prevalence and penetrance.

CeGaT Center for Human Genetics Tuebingen
Classification: Likely benign. Last evaluated: 2026-07-01. Review status: criteria provided, single submitter. Criteria: CeGaT Center For Human Genetics Tuebingen Variant Classification Criteria Version 2. Collection method: clinical testing. Allele origin: germline. Affected: yes. Observed: 3 variant alleles.
Comment: SMARCA4: PP2, BS1

Labcorp Genetics (formerly Invitae), Labcorp
Classification: Likely benign for Rhabdoid tumor predisposition syndrome 2. Last evaluated: 2026-02-03. Review status: criteria provided, single submitter. Criteria: Invitae Variant Classification Sherloc (09022015). Collection method: clinical testing. Allele origin: germline.

Laboratory of Genetics, Children's Clinical University Hospital Latvia
Classification: Likely benign. Last evaluated: 2025-02-16. Review status: criteria provided, single submitter. Criteria: ACMG Guidelines, 2015. Collection method: clinical testing. Allele origin: germline. Affected: yes.

Blueprint Genetics
Classification: Likely benign. Last evaluated: 2024-10-17. Review status: criteria provided, single submitter. Criteria: ACMG Guidelines, 2015. Collection method: clinical testing. Allele origin: germline.

Department of Pathology and Laboratory Medicine, Sinai Health System
Classification: Likely benign for Rhabdoid tumor predisposition syndrome 2; Intellectual disability, autosomal dominant 16; Otosclerosis 12. Last evaluated: 2023-11-24. Review status: criteria provided, single submitter. Criteria: ACMG Guidelines, 2015. Collection method: clinical testing. Allele origin: germline. Affected: yes.

Quest Diagnostics Nichols Institute San Juan Capistrano
Classification: Likely benign. Last evaluated: 2023-01-17. Review status: criteria provided, single submitter. Criteria: Quest Diagnostics criteria. Collection method: clinical testing. Allele origin: unknown.

Institute for Clinical Genetics, University Hospital TU Dresden, University Hospital TU Dresden
Classification: Uncertain significance. Last evaluated: 2021-11-03. Review status: criteria provided, single submitter. Criteria: ACMG Guidelines, 2015. Collection method: clinical testing. Allele origin: germline.

Genome-Nilou Lab
Classification: Likely benign for Intellectual disability, autosomal dominant 16. Last evaluated: 2021-07-15. Review status: criteria provided, single submitter. Criteria: ACMG Guidelines, 2015. Collection method: clinical testing. Allele origin: germline. Affected: no.

Sema4
Classification: Likely benign for Hereditary cancer-predisposing syndrome. Last evaluated: 2021-06-28. Review status: criteria provided, single submitter. Criteria: Sema4 Curation Guidelines. Collection method: curation. Allele origin: germline.

GeneDx
Classification: Uncertain significance. Last evaluated: 2021-05-18. Review status: criteria provided, single submitter. Criteria: GeneDx Variant Classification Process June 2021. Collection method: clinical testing. Allele origin: germline. Affected: yes.
Comment: In silico analysis supports that this missense variant does not alter protein structure/function; Observed in individuals with a personal or family history including acute lymphoblastic leukemia (ALL) and other cancers (Zhang 2015, Wang 2017); This variant is associated with the following publications: (PMID: 26580448, 26353884, 23718828, 27363283)

Ambry Genetics
Classification: Likely benign for Hereditary cancer-predisposing syndrome. Last evaluated: 2018-08-24. Review status: criteria provided, single submitter. Criteria: Ambry Variant Classification Scheme 2023. Collection method: clinical testing. Allele origin: germline.

Illumina Laboratory Services, Illumina
Classification: Benign for Coffin-Siris syndrome. Last evaluated: 2018-01-13. Review status: criteria provided, single submitter. Criteria: ICSL Variant Classification Criteria 13 December 2019. Collection method: clinical testing. Allele origin: germline.
Comment: This variant was observed in the ICSL laboratory as part of a predisposition screen in an ostensibly healthy population. It had not been previously curated by ICSL or reported in the Human Gene Mutation Database (HGMD: prior to June 1st, 2018), and was therefore a candidate for classification through an automated scoring system. Utilizing variant allele frequency, disease prevalence and penetrance estimates, and inheritance mode, an automated score was calculated to assess if this variant is too frequent to cause the disease. Based on the score and internal cut-off values, a variant classified as benign is not then subjected to further curation. The score for this variant resulted in a classification of benign for this disease.

PreventionGenetics, part of Exact Sciences
Classification: Likely benign for SMARCA4-related condition. Last evaluated: 2022-06-02. Review status: no assertion criteria provided. Collection method: clinical testing. Allele origin: germline. Not counted in ClinVar's aggregate classification.
Comment: This variant is classified as likely benign based on ACMG/AMP sequence variant interpretation guidelines (Richards et al. 2015 PMID: 25741868, with internal and published modifications).

Literature cited by the submitters: PubMed 26353884 (cited by Quest Diagnostics Nichols Institute San Juan Capistrano and Ambry Genetics).

NM_003072.5(SMARCA4):c.1076G>A (p.Arg359Gln)

Gene: SMARCA4 (SWI/SNF related BAF chromatin remodeling complex subunit ATPase 4; plus strand). Cytogenetic location: 19p13.2.
Variant type: single nucleotide variant.
Coding change: c.1076G>A on transcript NM_003072.5 (MANE Select); coding-DNA position 1076, G replaced by A.
Protein change: p.Arg359Gln; replaces arginine 359 with glutamine.
Molecular consequence: missense variant. On other transcripts: non-coding transcript variant (1).
Genome position (GRCh38, 1-based): chr19:10,987,882, G>A. VCF-style: chr19-10987882-G-A. GRCh37 (hg19) VCF-style: chr19-11098558-G-A.
Other names: c.1076G>A, p.Arg359Gln (NM_001128844.3, NM_001128845.2, NM_001128846.2 and 5 more transcripts); c.1076G>A (NM_001128849.2); short protein forms R359Q.
Identifiers: ClinVar variation 238359 (VCV000238359.60), dbSNP rs148530368, ClinGen allele CA9203666.